The following is an entry in ClinVar:

NM_000321.3(RB1):c.1704T>G (p.Pro568=)

Gene: RB1 (RB transcriptional corepressor 1; plus strand). Cytogenetic location: 13q14.2.
Variant type: single nucleotide variant.
Coding change: c.1704T>G on transcript NM_000321.3 (MANE Select); coding-DNA position 1704, T replaced by G.
Protein change: p.Pro568=; no amino-acid change (proline 568 retained).
Molecular consequence: synonymous variant.
Genome position (GRCh38, 1-based): chr13:48,453,001, T>G. VCF-style: chr13-48453001-T-G. GRCh37 (hg19) VCF-style: chr13-49027137-T-G.
Identifiers: ClinVar variation 458135 (VCV000458135.15), dbSNP rs1555293625, ClinGen allele CA483558132.

ClinVar aggregate classification (germline): Benign/Likely benign. Review status: criteria provided, multiple submitters, no conflicts (2 of 4 stars). 4 submissions from 4 submitters: Benign (1); Likely benign (3). Last evaluated 2026-06-24.

Conditions:
Hereditary cancer-predisposing syndrome. Also called: Hereditary neoplastic syndrome; Neoplastic Syndromes, Hereditary; Hereditary Cancer Syndrome; Tumor predisposition. Identifiers: Orphanet 140162, MedGen C0027672, MeSH D009386, MONDO:0015356.
Retinoblastoma (RB1). Also called: RETINOBLASTOMA, SOMATIC. Identifiers: Orphanet 790, MedGen C0035335, MeSH D012175, MONDO:0008380, OMIM 180200, HP:0009919. Disease mechanism: loss of function. Inheritance: Both sporadic and heritable forms are tested..

Submissions (4):

Myriad Genetics, Inc.
Classification: Benign for Retinoblastoma. Last evaluated: 2026-06-24. Review status: criteria provided, single submitter. Criteria: Myriad Autosomal Dominant, Autosomal Recessive and X-Linked Classification Criteria (2023). Collection method: clinical testing. Allele origin: unknown.
Comment: This variant is considered benign. This variant is a silent/synonymous amino acid change and it is not expected to impact splicing.

Labcorp Genetics (formerly Invitae), Labcorp
Classification: Likely benign for Retinoblastoma. Last evaluated: 2024-04-10. Review status: criteria provided, single submitter. Criteria: Invitae Variant Classification Sherloc (09022015). Collection method: clinical testing. Allele origin: germline.

All of Us Research Program, National Institutes of Health
Classification: Likely benign for Retinoblastoma. Last evaluated: 2023-08-15. Review status: criteria provided, single submitter. Criteria: ACMG Guidelines, 2015. Collection method: clinical testing. Allele origin: germline. Inheritance: Autosomal dominant inheritance. Observed: 1 variant allele, 1 heterozygote.
Comment: This study involves interpretation of variants in research participants for the purpose of population health screening. Participant phenotype was not available at the time of variant classification. Additional details can be found in publication PMID: 35346344, PMCID: PMC8962531

Ambry Genetics
Classification: Likely benign for Hereditary cancer-predisposing syndrome. Last evaluated: 2020-11-10. Review status: criteria provided, single submitter. Criteria: Ambry Variant Classification Scheme 2023. Collection method: clinical testing. Allele origin: germline.